The following is an entry in ClinVar:

ClinVar aggregate classification (germline): Likely pathogenic (1 of 4 stars; one submission).

Conditions:
Fanconi anemia complementation group C (FANCC). Also called: FANCONI PANCYTOPENIA, TYPE 3; FACC; Fanconi anemia, group C; FANCC-Related Fanconi Anemia. Identifiers: Orphanet 84, MedGen C3468041, MONDO:0009213, OMIM 227645.

Submission:

Otogenetics
Classification: Likely pathogenic for Fanconi anemia complementation group C. Last evaluated: 2026-02-23. Review status: criteria provided, single submitter. Criteria: ACMG Guidelines, 2015. Collection method: clinical testing. Allele origin: germline.
Comment: PVS1: Frameshift indel introduces premature stop codon in gene with loss of function as mechanism of disease, predicted to undergo NMD; PM2: Variant not observed in gnomAD (<0.05% threshold)

NM_000136.3(FANCC):c.356_360delinsA (p.Leu118_Ser119insTer)

Gene: FANCC (FA complementation group C; minus strand). Cytogenetic location: 9q22.32.
Variant type: Indel.
Coding change: c.356_360delinsA on transcript NM_000136.3 (MANE Select); coding-DNA positions 356 to 360, CTCAT replaced by A.
Protein change: p.Leu118_Ser119insTer.
Molecular consequence: nonsense.
Genome position (GRCh38, 1-based): chr9:95,172,133-95,172,137, ATGAG replaced by T on the plus strand (CTCAT replaced by A on the coding strand, the reverse complement: FANCC is on the minus strand). VCF-style: chr9-95172133-ATGAG-T. GRCh37 (hg19) VCF-style: chr9-97934415-ATGAG-T.
Other names: c.356_360delinsA, p.Leu118_Ser119insTer (NM_001243743.2, NM_001243744.2).
Identifiers: ClinVar variation 4888440 (VCV004888440.1).